The following is an entry in ClinVar:

NM_021803.4(IL21):c.41G>C (p.Cys14Ser)

Genes: IL21 (interleukin 21; minus strand), IL21-AS1 (IL21 antisense RNA 1; plus strand), LOC126807147 (CDK7 strongly-dependent group 2 enhancer GRCh37_chr4:123541308-123542507; plus strand). Cytogenetic location: 4q27.
Variant type: single nucleotide variant.
Coding change: c.41G>C on transcript NM_021803.4 (MANE Select); coding-DNA position 41, G replaced by C.
Protein change: p.Cys14Ser; replaces cysteine 14 with serine.
Molecular consequence: missense variant. On other transcripts: non-coding transcript variant (1).
Genome position (GRCh38, 1-based): chr4:122,620,971, C>G on the plus strand (G>C on the coding strand, the complement: IL21 is on the minus strand). VCF-style: chr4-122620971-C-G. GRCh37 (hg19) VCF-style: chr4-123542126-C-G.
Other names: c.41G>C, p.Cys14Ser (NM_001207006.3); short protein forms C14S.
Identifiers: ClinVar variation 3621345 (VCV003621345.2).

ClinVar aggregate classification (germline): Uncertain significance (1 of 4 stars; one submission).

Submission:

Labcorp Genetics (formerly Invitae), Labcorp
Classification: Uncertain significance. Last evaluated: 2025-01-27. Review status: criteria provided, single submitter. Criteria: Invitae Variant Classification Sherloc (09022015). Collection method: clinical testing. Allele origin: germline.
Comment: This sequence change replaces cysteine, which is neutral and slightly polar, with serine, which is neutral and polar, at codon 14 of the IL21 protein (p.Cys14Ser). This variant is not present in population databases (gnomAD no frequency). This variant has not been reported in the literature in individuals affected with IL21-related conditions. An algorithm developed to predict the effect of missense changes on protein structure and function (PolyPhen-2) suggests that this variant is likely to be disruptive. In summary, the available evidence is currently insufficient to determine the role of this variant in disease. Therefore, it has been classified as a Variant of Uncertain Significance.